The following is an entry in ClinVar:

ClinVar aggregate classification (germline): Pathogenic (1 of 4 stars; one submission).

Conditions:
Ethylmalonic encephalopathy (EE). Also called: EPEMA syndrome; Encephalopathy, petechiae, and ethylmalonic aciduria; Syndrome of encephalopathy, petechiae, and ethylmalonic aciduria. Identifiers: Orphanet 51188, MedGen C1865349, MONDO:0011229, OMIM 602473. Disease mechanism: loss of function.

Submission:

Women's Health and Genetics/Laboratory Corporation of America, LabCorp
Classification: Pathogenic for Ethylmalonic encephalopathy. Last evaluated: 2024-07-31. Review status: criteria provided, single submitter. Criteria: LabCorp Variant Classification Summary - May 2015. Collection method: clinical testing. Allele origin: germline.
Comment: Variant summary: The variant involves the deletion of exons 1-3, which includes the initiator codon in the ETHE1 gene. The exact breakpoint at the 5' end of this variant is unknown, therefore this deletion may extend upstream of the annotated region of this gene. Although the exact breakpoints of this deletion are not known, it is predicted to remove the initiation codon and result in an absence of protein or a truncation of the encoded protein due to translation initiation at a downstream site. A presumed nomenclature of c.(?_-25)_(375+1_376-1)del has been designated for the purposes of this classification. The variant was absent in 19668 control chromosomes. To our knowledge, no occurrence of c.(?_-25)_(375+1_376-1)del in individuals affected with Ethylmalonic Encephalopathy and no experimental evidence demonstrating its impact on protein function have been reported. ClinVar contains an entry for this variant (Variation ID: 3248452). Based on the evidence outlined above, the variant was classified as pathogenic.

NC_000019.9:g.(44015719_44030352)_(44031354_?)del

Gene: ETHE1 (ETHE1 persulfide dioxygenase; minus strand). Cytogenetic location: 19q13.31.
Variant type: Deletion.
Identifiers: ClinVar variation 3339327 (VCV003339327.1).